The following is an entry in ClinVar:

ClinVar aggregate classification (germline): Uncertain significance. Review status: criteria provided, multiple submitters, no conflicts (2 of 4 stars). 12 submissions from 8 submitters: Uncertain significance (12). Last evaluated 2026-09-14.

Conditions:
Cardiovascular phenotype. Identifiers: MedGen CN230736.
TTN-related disorder. Also called: TTN-related condition; TTN-related disease; TTN-related disorders.
Autosomal recessive limb-girdle muscular dystrophy type 2J (LGMDR10). Also called: MUSCULAR DYSTROPHY, LIMB-GIRDLE, AUTOSOMAL RECESSIVE 10; Limb-girdle muscular dystrophy, type 2J. Identifiers: Orphanet 140922, MedGen C1837342, MONDO:0012127, OMIM 608807.
Myopathy, myofibrillar, 9, with early respiratory failure (MFM9). Also called: Myopathy, distal, with early respiratory failure, autosomal dominant; EDSTROM MYOPATHY; MYOPATHY, PROXIMAL, WITH EARLY RESPIRATORY MUSCLE INVOLVEMENT; Hereditary myopathy with early respiratory failure. Identifiers: Orphanet 178464, Orphanet 34521, MedGen C1863599, MONDO:0011362, OMIM 603689.
Early-onset myopathy with fatal cardiomyopathy (CMYO5). Also called: CONGENITAL MYOPATHY 5 WITH CARDIOMYOPATHY; Salih Myopathy. Identifiers: Orphanet 289377, MedGen C2673677, MONDO:0012714, OMIM 611705. Disease mechanism: loss of function.
Dilated cardiomyopathy 1G (CMD1G). Identifiers: Orphanet 154, MedGen C1858763, MONDO:0011400, OMIM 604145.
Tibial muscular dystrophy (TMD). Also called: Tibial muscular dystrophy, tardive; UDD MYOPATHY; Udd Distal Myopathy – Tibial Muscular Dystrophy. Identifiers: Orphanet 609, MedGen C1838244, MONDO:0010870, OMIM 600334.

Allele frequency attached by ClinVar (database versions not stated): ExAC 0.00002; gnomAD exomes 0.00003; TOPMed 0.00003; gnomAD 0.00004; ESP Exome Variant Server 0.00008.
gnomAD v4.1: 71 of 1,611,824 alleles (0.0044%); highest among the groups gnomAD compares: Non-Finnish European, 0.0053%; no homozygotes.

Submissions (12):

PreventionGenetics, part of Exact Sciences
Classification: Uncertain significance for TTN-related condition. Last evaluated: 2026-09-14. Review status: criteria provided, single submitter. Criteria: ACMG Guidelines, 2015. Collection method: clinical testing. Allele origin: germline.
Comment: The TTN c.47278G>A variant is predicted to result in the amino acid substitution p.Gly15760Ser. To our knowledge, this variant has not been reported in the literature. This variant is reported in 0.0055% of alleles in individuals of European (Non-Finnish) descent in gnomAD. At this time, the clinical significance of this variant is uncertain due to the absence of conclusive functional and genetic evidence.

Revvity Omics, Revvity
Classification: Uncertain significance. Last evaluated: 2025-05-22. Review status: criteria provided, single submitter. Criteria: ACMG Guidelines, 2015. Collection method: clinical testing. Allele origin: germline.

Athena Diagnostics
Classification: Uncertain significance. Last evaluated: 2024-05-09. Review status: criteria provided, single submitter. Criteria: Athena Diagnostics Criteria. Collection method: clinical testing. Allele origin: unknown.
Comment: Available data are insufficient to determine the clinical significance of the variant at this time. The frequency of this variant in the general population is uninformative in assessment of its pathogenicity. Polyphen and MutationTaster yielded discordant predictions regarding whether this amino acid change is damaging to the protein.

Women's Health and Genetics/Laboratory Corporation of America, LabCorp
Classification: Uncertain significance. Last evaluated: 2020-09-24. Review status: criteria provided, single submitter. Criteria: LabCorp Variant Classification Summary - May 2015. Collection method: clinical testing. Allele origin: germline.
Comment: Variant summary: TTN c.39574G>A (p.Gly13192Ser) results in a non-conservative amino acid change located in the A band domain of the encoded protein sequence. Three of five in-silico tools predict a damaging effect of the variant on protein function. The variant allele was found at a frequency of 2.8e-05 in 246408 control chromosomes. The available data on variant occurrences in the general population are insufficient to allow any conclusion about variant significance. To our knowledge, no occurrence of c.39574G>A in individuals affected with Dilated Cardiomyopathy and no experimental evidence demonstrating its impact on protein function have been reported. Four clinical diagnostic laboratories have submitted clinical-significance assessments for this variant to ClinVar after 2014 without evidence for independent evaluation. All laboratories classified the variant as uncertain significance. Based on the evidence outlined above, the variant was classified as uncertain significance.

Illumina Laboratory Services, Illumina
Classification: Uncertain significance for Tibial muscular dystrophy. Last evaluated: 2018-01-13. Review status: criteria provided, single submitter. Criteria: ICSL Variant Classification Criteria 13 December 2019. Collection method: clinical testing. Allele origin: germline.

Illumina Laboratory Services, Illumina
Classification: Uncertain significance for Dilated cardiomyopathy 1G. Last evaluated: 2018-01-13. Review status: criteria provided, single submitter. Criteria: ICSL Variant Classification Criteria 13 December 2019. Collection method: clinical testing. Allele origin: germline.

Illumina Laboratory Services, Illumina
Classification: Uncertain significance for Early-onset myopathy with fatal cardiomyopathy. Last evaluated: 2018-01-13. Review status: criteria provided, single submitter. Criteria: ICSL Variant Classification Criteria 13 December 2019. Collection method: clinical testing. Allele origin: germline.

Illumina Laboratory Services, Illumina
Classification: Uncertain significance for Myopathy, myofibrillar, 9, with early respiratory failure. Last evaluated: 2018-01-13. Review status: criteria provided, single submitter. Criteria: ICSL Variant Classification Criteria 13 December 2019. Collection method: clinical testing. Allele origin: germline.

Illumina Laboratory Services, Illumina
Classification: Uncertain significance for Autosomal recessive limb-girdle muscular dystrophy type 2J. Last evaluated: 2018-01-13. Review status: criteria provided, single submitter. Criteria: ICSL Variant Classification Criteria 13 December 2019. Collection method: clinical testing. Allele origin: germline.

Genetic Services Laboratory, University of Chicago
Classification: Uncertain significance. Last evaluated: 2017-02-02. Review status: criteria provided, single submitter. Criteria: ACMG Guidelines, 2015. Collection method: clinical testing. Allele origin: germline. Affected: no.

Ambry Genetics
Classification: Uncertain significance for Cardiovascular phenotype. Last evaluated: 2015-11-18. Review status: criteria provided, single submitter. Criteria: Ambry Variant Classification Scheme 2023. Collection method: clinical testing. Allele origin: germline.
Comment: The p.G6695S variant (also known as c.20083G>A), located in coding exon 80 of the TTN gene, results from a G to A substitution at nucleotide position 20083. The glycine at codon 6695 is replaced by serine, an amino acid with similar properties. This variant was previously reported in the SNPDatabase as rs372404266. Based on data from ExAC, the A allele has an overall frequency of approximately 0.001% (2/119316). The highest observed frequency was 0.008% (1/11338) of Latino alleles (Exome Aggregation Consortium (ExAC), Cambridge, MA (URL) [Accessed November 17, 2015]). Based on data from the NHLBI Exome Sequencing Project (ESP), the A allele has an overall frequency of approximately 0.01% (1/12110) total alleles studied and 0.01% (1/8274) European American alleles. This amino acid position is not well conserved in available vertebrate species. In addition, this alteration is predicted to be tolerated by in silico analysis. Since supporting evidence is limited at this time, the clinical significance of this variant remains unclear.

Eurofins Ntd Llc (ga)
Classification: Uncertain significance. Last evaluated: 2015-07-16. Review status: criteria provided, single submitter. Criteria: EGL Classification Definitions 2015. Collection method: clinical testing. Allele origin: germline. Observed: 1 variant allele, 1 heterozygote.

NM_001267550.2(TTN):c.47278G>A (p.Gly15760Ser)

Genes: TTN (titin; minus strand), TTN-AS1 (TTN antisense RNA 1; plus strand). Cytogenetic location: 2q31.2.
Variant type: single nucleotide variant.
Coding change: c.47278G>A on transcript NM_001267550.2 (MANE Select); coding-DNA position 47278, G replaced by A.
Protein change: p.Gly15760Ser; replaces glycine 15760 with serine.
Molecular consequence: missense variant.
Genome position (GRCh38, 1-based): chr2:178,618,073, C>T on the plus strand (G>A on the coding strand, the complement: TTN is on the minus strand). VCF-style: chr2-178618073-C-T. GRCh37 (hg19) VCF-style: chr2-179482800-C-T.
Other names: c.42355G>A, p.Gly14119Ser (NM_001256850.1); c.20083G>A, p.Gly6695Ser (NM_003319.4); c.39574G>A, p.Gly13192Ser (NM_133378.4); c.20458G>A, p.Gly6820Ser (NM_133432.3); c.20659G>A, p.Gly6887Ser (NM_133437.4); c.47278G>A (NM_001267550.1); short protein forms G15760S, G6695S, G14119S, G13192S, G6820S, G6887S.
Identifiers: ClinVar variation 264445 (VCV000264445.21), dbSNP rs372404266, ClinGen allele CA1995074.